The following is an entry in ClinVar:

ClinVar aggregate classification (germline): Conflicting classifications of pathogenicity. Review status: criteria provided, conflicting classifications (1 of 4 stars). 2 submissions from 2 submitters: Likely pathogenic (1); Uncertain significance (1). Last evaluated 2019-05-02.

Conditions:
TRPV4-associated skeletal dysplasias.

Submissions (2):

GeneDx
Classification: Likely pathogenic. Last evaluated: 2019-05-02. Review status: criteria provided, single submitter. Criteria: GeneDx Variant Classification Process June 2021. Collection method: clinical testing. Allele origin: germline. Affected: yes.
Comment: Not observed in large population cohorts (Lek et al., 2016); In silico analysis, which includes protein predictors and evolutionary conservation, supports a deleterious effect; Has not been previously published as pathogenic or benign to our knowledge; This variant is associated with the following publications: (PMID: 32319342)

Illumina Laboratory Services, Illumina
Classification: Uncertain significance for TRPV4-associated skeletal dysplasias. Last evaluated: 2019-04-25. Review status: criteria provided, single submitter. Criteria: ICSLVariantClassificationCriteria RUGD 01 April 2020. Collection method: clinical testing. Allele origin: unknown.
Comment: The TRPV4 c.1303G>A (p.Glu435Lys) variant is a missense variant. A literature search was performed for the gene, cDNA change, and amino acid change. No publications were found based on this search. This variant is not found in the Genome Aggregation Database in a region of good sequence coverage, so the variant is presumed to be rare. Based on the limited evidence, the p.Glu435Lys variant is classified as a variant of uncertain significance for TRPV4-associated skeletal dysplasias.

NM_021625.5(TRPV4):c.1303G>A (p.Glu435Lys)

Gene: TRPV4 (transient receptor potential cation channel subfamily V member 4; minus strand). Cytogenetic location: 12q24.11.
Variant type: single nucleotide variant.
Coding change: c.1303G>A on transcript NM_021625.5 (MANE Select); coding-DNA position 1303, G replaced by A.
Protein change: p.Glu435Lys; replaces glutamic acid 435 with lysine.
Molecular consequence: missense variant. On other transcripts: intron variant (2).
Genome position (GRCh38, 1-based): chr12:109,796,554, C>T on the plus strand (G>A on the coding strand, the complement: TRPV4 is on the minus strand). VCF-style: chr12-109796554-C-T. GRCh37 (hg19) VCF-style: chr12-110234359-C-T.
Other names: c.1162G>A, p.Glu388Lys (NM_001177428.2); c.1201G>A, p.Glu401Lys (NM_001177431.2); c.1011+2060G>A (NM_001177433.1); c.1152+2060G>A (NM_147204.2); short protein forms E388K, E401K, E435K.
Identifiers: ClinVar variation 989356 (VCV000989356.7), dbSNP rs1890412444, ClinGen allele CA386653467.